The following is an entry in ClinVar:

NM_007194.4(CHEK2):c.56C>T (p.Ser19Leu)

Gene: CHEK2 (checkpoint kinase 2; minus strand). Cytogenetic location: 22q12.1.
Variant type: single nucleotide variant.
Coding change: c.56C>T on transcript NM_007194.4 (MANE Select); coding-DNA position 56, C replaced by T.
Protein change: p.Ser19Leu; replaces serine 19 with leucine.
Molecular consequence: missense variant.
Genome position (GRCh38, 1-based): chr22:28,734,666, G>A on the plus strand (C>T on the coding strand, the complement: CHEK2 is on the minus strand). VCF-style: chr22-28734666-G-A. GRCh37 (hg19) VCF-style: chr22-29130654-G-A.
Other names: c.56C>T, p.Ser19Leu (NM_001005735.3, NM_001349956.3, NM_145862.3); c.-722C>T (NM_001257387.3); short protein forms S19L.
Identifiers: ClinVar variation 3713294 (VCV003713294.2).
Genomic context (GRCh38, chr22:28,734,666, plus strand): 5'-GATATGCCCTGGGACTGTGAGGAGGAGCCTTGGGACTGGGTAACGCTGCCATGGGGCTGT[G>A]AACAGGCACTGCTGCCATGAGACTGCTGAGCCTCAACATCCGACTCCCGAGACATCACGA-3'
Protein context (NP_009125.1, residues 9-29): AQQSHGSSAC[Ser19Leu]QPHGSVTQSQ

ClinVar aggregate classification (germline): Uncertain significance (1 of 4 stars; one submission).

Conditions:
Familial cancer of breast. Also called: Hereditary breast cancer; BREAST CANCER, FAMILIAL; hereditary breast carcinoma. Identifiers: Orphanet 227535, MedGen C0346153, MONDO:0016419, OMIM 114480. Disease mechanism: loss of function.

Submission:

Labcorp Genetics (formerly Invitae), Labcorp
Classification: Uncertain significance for Familial cancer of breast. Last evaluated: 2024-04-03. Review status: criteria provided, single submitter. Criteria: Invitae Variant Classification Sherloc (09022015). Collection method: clinical testing. Allele origin: germline.
Comment: This sequence change replaces serine, which is neutral and polar, with leucine, which is neutral and non-polar, at codon 19 of the CHEK2 protein (p.Ser19Leu). This variant is not present in population databases (gnomAD no frequency). This variant has not been reported in the literature in individuals affected with CHEK2-related conditions. An algorithm developed to predict the effect of missense changes on protein structure and function (PolyPhen-2) suggests that this variant is likely to be tolerated. In summary, the available evidence is currently insufficient to determine the role of this variant in disease. Therefore, it has been classified as a Variant of Uncertain Significance.